The following is an entry in ClinVar:

NM_004100.5(EYA4):c.580+5T>G

Gene: EYA4 (EYA transcriptional coactivator and phosphatase 4; plus strand). Cytogenetic location: 6q23.2.
Variant type: single nucleotide variant.
Coding change: c.580+5T>G on transcript NM_004100.5 (MANE Select); 5 bases into the intron after coding-DNA position 580, T replaced by G.
Molecular consequence: intron variant.
Genome position (GRCh38, 1-based): chr6:133,462,482, T>G. VCF-style: chr6-133462482-T-G. GRCh37 (hg19) VCF-style: chr6-133783620-T-G.
Other names: c.580+5T>G (NM_001301013.2, NM_172105.4); c.511+5T>G (NM_001370458.1, NM_172103.4); c.418+5T>G (NM_001370459.1, NM_001301012.2).
Identifiers: ClinVar variation 2990310 (VCV002990310.3), dbSNP rs2534562929, ClinGen allele CA2740091499.

ClinVar aggregate classification (germline): Uncertain significance (1 of 4 stars; one submission).

Conditions:
Dilated cardiomyopathy 1J (CMD1J). Also called: CARDIOMYOPATHY, DILATED, WITH SENSORINEURAL HEARING LOSS, AUTOSOMAL DOMINANT. Identifiers: Orphanet 217622, MedGen C1854368, MONDO:0011541, OMIM 605362.

Submission:

Labcorp Genetics (formerly Invitae), Labcorp
Classification: Uncertain significance for Dilated cardiomyopathy 1J. Last evaluated: 2025-08-01. Review status: criteria provided, single submitter. Criteria: Invitae Variant Classification Sherloc (09022015). Collection method: clinical testing. Allele origin: germline.
Comment: This sequence change falls in intron 8 of the EYA4 gene. It does not directly change the encoded amino acid sequence of the EYA4 protein. It affects a nucleotide within the consensus splice site. This variant is not present in population databases (gnomAD no frequency). This variant has not been reported in the literature in individuals affected with EYA4-related conditions. ClinVar contains an entry for this variant (Variation ID: 2990310). Variants that disrupt the consensus splice site are a relatively common cause of aberrant splicing (PMID: 17576681, 9536098). Algorithms developed to predict the effect of sequence changes on RNA splicing suggest that this variant is not likely to affect RNA splicing. In summary, the available evidence is currently insufficient to determine the role of this variant in disease. Therefore, it has been classified as a Variant of Uncertain Significance.

Literature cited by the submitters: PubMed 17576681; PubMed 9536098.